The following is an entry in ClinVar:

ClinVar aggregate classification (germline): Uncertain significance (1 of 4 stars; one submission).

Conditions:
Werner syndrome (WRN). Identifiers: Orphanet 902, MedGen C0043119, MONDO:0010196, OMIM 277700.

gnomAD v4.1: 1 of 1,612,242 alleles (0.000062%); highest among the groups gnomAD compares: Admixed American, 0.0017%; no homozygotes.

Submission:

Labcorp Genetics (formerly Invitae), Labcorp
Classification: Uncertain significance for Werner syndrome. Last evaluated: 2022-11-01. Review status: criteria provided, single submitter. Criteria: Invitae Variant Classification Sherloc (09022015). Collection method: clinical testing. Allele origin: germline.
Comment: This sequence change replaces lysine, which is basic and polar, with asparagine, which is neutral and polar, at codon 477 of the WRN protein (p.Lys477Asn). This variant also falls at the last nucleotide of exon 11, which is part of the consensus splice site for this exon. In summary, the available evidence is currently insufficient to determine the role of this variant in disease. Therefore, it has been classified as a Variant of Uncertain Significance. Variants that disrupt the consensus splice site are a relatively common cause of aberrant splicing (PMID: 17576681, 9536098). Algorithms developed to predict the effect of sequence changes on RNA splicing suggest that this variant may disrupt the consensus splice site. Algorithms developed to predict the effect of missense changes on protein structure and function are either unavailable or do not agree on the potential impact of this missense change (SIFT: "Not Available"; PolyPhen-2: "Probably Damaging"; Align-GVGD: "Not Available"). ClinVar contains an entry for this variant (Variation ID: 956612). This variant has not been reported in the literature in individuals affected with WRN-related conditions. This variant is present in population databases (rs376705983, gnomAD 0.003%).

Literature cited by the submitters: PubMed 17576681; PubMed 9536098.

NM_000553.6(WRN):c.1431G>C (p.Lys477Asn)

Gene: WRN (WRN RecQ like helicase; plus strand). Cytogenetic location: 8p12.
Variant type: single nucleotide variant.
Coding change: c.1431G>C on transcript NM_000553.6 (MANE Select); coding-DNA position 1431, G replaced by C.
Protein change: p.Lys477Asn; replaces lysine 477 with asparagine.
Molecular consequence: missense variant.
Genome position (GRCh38, 1-based): chr8:31,085,246, G>C. VCF-style: chr8-31085246-G-C. GRCh37 (hg19) VCF-style: chr8-30942762-G-C.
Other names: short protein forms K477N.
Identifiers: ClinVar variation 956612 (VCV000956612.5), dbSNP rs376705983, ClinGen allele CA4704356.